The following is an entry in ClinVar:

NM_000481.4(AMT):c.928C>T (p.Pro310Ser)

Gene: AMT (aminomethyltransferase; minus strand). Cytogenetic location: 3p21.31.
Variant type: single nucleotide variant.
Coding change: c.928C>T on transcript NM_000481.4 (MANE Select); coding-DNA position 928, C replaced by T.
Protein change: p.Pro310Ser; replaces proline 310 with serine.
Molecular consequence: missense variant. On other transcripts: non-coding transcript variant (1).
Genome position (GRCh38, 1-based): chr3:49,417,923, G>A on the plus strand (C>T on the coding strand, the complement: AMT is on the minus strand). VCF-style: chr3-49417923-G-A. GRCh37 (hg19) VCF-style: chr3-49455356-G-A.
Other names: c.796C>T, p.Pro266Ser (NM_001164710.2); c.760C>T, p.Pro254Ser (NM_001164711.2); c.928C>T, p.Pro310Ser (NM_001164712.2); short protein forms P310S, P254S, P266S.
Identifiers: ClinVar variation 1960271 (VCV001960271.4), dbSNP rs376165517, ClinGen allele CA2398200.
Genomic context (GRCh38, chr3:49,417,923, plus strand): 5'-TGGGGGCCCCCTCACACATCAACCCCACACGCCTCCGCTGCACCCTGCCCTTCAGCTGGG[G>A]AACAATGACCTTGGCTCCAGGGAAGTCCATAGCAGCTCGGCGGCGCTTCCCTGGAGAATG-3'
Protein context (NP_000472.2, residues 300-320): MDFPGAKVIV[Pro310Ser]QLKGRVQRRR

ClinVar aggregate classification (germline): Uncertain significance (1 of 4 stars; one submission).

Conditions:
Glycine encephalopathy. Also called: Non-ketotic hyperglycinemia; Nonketotic hyperglycinemia. Identifiers: Orphanet 407, MedGen C0751748, MONDO:0011612, HP:0008288.

Allele frequency attached by ClinVar (database versions not stated): gnomAD exomes below 0.00001; ExAC 0.00001; TOPMed 0.00001.
gnomAD v4.1: 3 of 1,613,976 alleles (0.00019%); highest among the groups gnomAD compares: African/African-American, 0.004%; no homozygotes.

Submission:

Labcorp Genetics (formerly Invitae), Labcorp
Classification: Uncertain significance for Glycine encephalopathy. Last evaluated: 2024-06-24. Review status: criteria provided, single submitter. Criteria: Invitae Variant Classification Sherloc (09022015). Collection method: clinical testing. Allele origin: germline.
Comment: This sequence change replaces proline, which is neutral and non-polar, with serine, which is neutral and polar, at codon 310 of the AMT protein (p.Pro310Ser). This variant is present in population databases (rs376165517, gnomAD 0.007%). This variant has not been reported in the literature in individuals affected with AMT-related conditions. ClinVar contains an entry for this variant (Variation ID: 1960271). Advanced modeling of protein sequence and biophysical properties (such as structural, functional, and spatial information, amino acid conservation, physicochemical variation, residue mobility, and thermodynamic stability) performed at Invitae indicates that this missense variant is not expected to disrupt AMT protein function with a negative predictive value of 95%. In summary, the available evidence is currently insufficient to determine the role of this variant in disease. Therefore, it has been classified as a Variant of Uncertain Significance.